The following is an entry in ClinVar:

NM_003172.3(SURF1):c.-70_-69del

Gene: SURF1 (SURF1 cytochrome c oxidase assembly factor; minus strand). Cytogenetic location: 9q34.2.
Variant type: Deletion.
Coding change: c.-70_-69del on transcript NM_003172.3; 70 bases upstream of the start codon through 69 bases upstream of the start codon, 2 bases deleted (GG; older notation c.-70_-69delGG).
Genome position (GRCh38, 1-based): chr9:133,356,522-133,356,523, CC deleted on the plus strand (GG on the coding strand, the reverse complement: SURF1 is on the minus strand); deleting any 2 consecutive bases within chr9:133,356,522-133,356,524 gives the same sequence; the c. name uses the placement nearest the transcript's 3' end. VCF-style (leftmost placement, unchanged base first): chr9-133356521-GCC-G. GRCh37 (hg19) VCF-style: chr9-136223397-GCC-G.
Identifiers: ClinVar variation 928765 (VCV000928765.3), dbSNP rs967498500, ClinGen allele CA200834170.

ClinVar aggregate classification (germline): Benign (1 of 4 stars; one submission).

Submission:

Women's Health and Genetics/Laboratory Corporation of America, LabCorp
Classification: Benign. Last evaluated: 2019-01-02. Review status: criteria provided, single submitter. Criteria: LabCorp Variant Classification Summary - May 2015. Collection method: clinical testing. Allele origin: germline.
Comment: Variant summary: SURF1 c.-70_-69delGG is located in the untranscribed region upstream of the SURF1 gene region. The variant allele was found at a frequency of 0.0027 in 30776 control chromosomes. The observed variant frequency is approximately 1.51 fold of the estimated maximal expected allele frequency for a pathogenic variant in SURF1 causing Leigh Syndrome phenotype (0.0018), strongly suggesting that the variant is benign. To our knowledge, no occurrence of c.-70_-69delGG in individuals affected with Leigh Syndrome and no experimental evidence demonstrating its impact on protein function have been reported. No clinical diagnostic laboratories have submitted clinical-significance assessments for this variant to ClinVar after 2014. Based on the evidence outlined above, the variant was classified as benign.